The following is an entry in ClinVar:

NM_004006.3(DMD):c.9634G>T (p.Glu3212Ter)

Gene: DMD (dystrophin; minus strand). Cytogenetic location: Xp21.2.
Variant type: single nucleotide variant.
Coding change: c.9634G>T on transcript NM_004006.3 (MANE Select); coding-DNA position 9634, G replaced by T.
Protein change: p.Glu3212Ter; replaces glutamic acid 3212 with a stop codon.
Molecular consequence: nonsense.
Genome position (GRCh38, 1-based): chrX:31,206,597, C>A on the plus strand (G>T on the coding strand, the complement: DMD is on the minus strand). VCF-style: chrX-31206597-C-A. GRCh37 (hg19) VCF-style: chrX-31224714-C-A.
Other names: c.9610G>T, p.Glu3204Ter (NM_000109.4); c.9622G>T, p.Glu3208Ter (NM_004009.3); c.9265G>T, p.Glu3089Ter (NM_004010.3); c.5611G>T, p.Glu1871Ter (NM_004011.4); c.5602G>T, p.Glu1868Ter (NM_004012.4); c.2254G>T, p.Glu752Ter (NM_004013.3, NM_004020.4, NM_004021.3 and 2 more transcripts); c.1447G>T, p.Glu483Ter (NM_004014.3); c.430G>T, p.Glu144Ter (NM_004015.3, NM_004016.3, NM_004017.3 and 2 more transcripts); short protein forms E3212*, E3204*, E1871*, E3208*, E3089*, E483*, E144*, E1868*.
Identifiers: ClinVar variation 618599 (VCV000618599.13), dbSNP rs1569463953, ClinGen allele CA412649406.

ClinVar aggregate classification (germline): Pathogenic. Review status: criteria provided, multiple submitters, no conflicts (2 of 4 stars). 2 submissions from 2 submitters: Pathogenic (2). Last evaluated 2024-08-12.

Conditions:
Duchenne muscular dystrophy (DMD). Also called: MUSCULAR DYSTROPHY, PSEUDOHYPERTROPHIC PROGRESSIVE, DUCHENNE TYPE; Duchenne Muscular Dystrophy (DMD). Identifiers: Orphanet 98896, MedGen C0013264, MONDO:0010679, OMIM 310200.

Submissions (2):

Labcorp Genetics (formerly Invitae), Labcorp
Classification: Pathogenic for Duchenne muscular dystrophy. Last evaluated: 2024-08-12. Review status: criteria provided, single submitter. Criteria: Invitae Variant Classification Sherloc (09022015). Collection method: clinical testing. Allele origin: germline.
Comment: This sequence change creates a premature translational stop signal (p.Glu3212*) in the DMD gene. It is expected to result in an absent or disrupted protein product. Loss-of-function variants in DMD are known to be pathogenic (PMID: 16770791, 25007885). This variant is not present in population databases (gnomAD no frequency). This variant has not been reported in the literature in individuals affected with DMD-related conditions. ClinVar contains an entry for this variant (Variation ID: 618599). Algorithms developed to predict the effect of sequence changes on RNA splicing suggest that this variant may disrupt the consensus splice site. For these reasons, this variant has been classified as Pathogenic.

ARUP Laboratories, Molecular Genetics and Genomics, ARUP Laboratories
Classification: Pathogenic. Last evaluated: 2017-06-15. Review status: criteria provided, single submitter. Criteria: ARUP Molecular Germline Variant Investigation Process. Collection method: clinical testing. Allele origin: germline.
Comment: The c.9634G>T variant has not been reported in the medical literature, is not listed in gene-specific variant databases, nor has it been previously identified in our laboratory. It is also absent from population databases such as 1000 Genomes, the NHLBI GO Exome Sequencing Project (ESP), and the Genome Aggregation Database (gnomAD) browser. The c.9634G>T variant introduces an early termination codon into exon 66 and is expected to result in a truncated or absent protein product, and other truncating variants in exon 66 have been observed in cohorts of Duchenne muscular dystrophy patients (selected references: Mercier 2013 and Taylor 2007). Thus, based on the available information, the c.9634G>T variant satisfies our criteria for classification as pathogenic.

Literature cited by the submitters: PubMed 16770791 (cited by Labcorp Genetics (formerly Invitae), Labcorp); PubMed 25007885 (cited by Labcorp Genetics (formerly Invitae), Labcorp).